The following is an entry in ClinVar:

ClinVar aggregate classification (germline): Likely benign (0 of 4 stars; one submission).

Conditions:
C8G-related disorder. Also called: C8G-related condition.

Allele frequency attached by ClinVar (database versions not stated): gnomAD 0.00021; TOPMed 0.00029; gnomAD exomes 0.00033; ExAC 0.00060; 1000 Genomes Project 30x 0.00078; 1000 Genomes Project 0.00080.

Submission:

PreventionGenetics, part of Exact Sciences
Classification: Likely benign for C8G-related condition. Last evaluated: 2022-03-31. Review status: no assertion criteria provided. Collection method: clinical testing. Allele origin: germline.
Comment: This variant is classified as likely benign based on ACMG/AMP sequence variant interpretation guidelines (Richards et al. 2015 PMID: 25741868, with internal and published modifications).

NM_000606.3(C8G):c.12del (p.Thr6fs)

Gene: C8G (complement C8 gamma chain; plus strand). Cytogenetic location: 9q34.3.
Variant type: Deletion.
Coding change: c.12del on transcript NM_000606.3 (MANE Select); coding-DNA position 12, one base deleted (T; older notation c.12delT).
Protein change: p.Thr6fs; shifts the reading frame from threonine 6.
Molecular consequence: frameshift variant.
Genome position (GRCh38, 1-based): chr9:136,945,332, T deleted. VCF-style (leftmost placement, unchanged base first): chr9-136945331-CT-C. GRCh37 (hg19) VCF-style: chr9-139839783-CT-C.
Other names: short protein forms T6fs.
Identifiers: ClinVar variation 3058784 (VCV003058784.2), dbSNP rs60286503, ClinGen allele CA5351394.